The following is an entry in ClinVar:

NM_004484.4(GPC3):c.1330C>T (p.Gln444Ter)

Gene: GPC3 (glypican 3; minus strand). Cytogenetic location: Xq26.2.
Variant type: single nucleotide variant.
Coding change: c.1330C>T on transcript NM_004484.4 (MANE Select); coding-DNA position 1330, C replaced by T.
Protein change: p.Gln444Ter; replaces glutamine 444 with a stop codon.
Molecular consequence: nonsense.
Genome position (GRCh38, 1-based): chrX:133,661,813, G>A on the plus strand (C>T on the coding strand, the complement: GPC3 is on the minus strand). VCF-style: chrX-133661813-G-A. GRCh37 (hg19) VCF-style: chrX-132795841-G-A.
Other names: c.1399C>T, p.Gln467Ter (NM_001164617.2); c.1282C>T, p.Gln428Ter (NM_001164618.2); c.1168C>T, p.Gln390Ter (NM_001164619.2); short protein forms Q444*, Q390*, Q428*, Q467*.
Identifiers: ClinVar variation 3724468 (VCV003724468.2).
Genomic context (GRCh38, chrX:133,661,813, plus strand): 5'-CAATAATTTGACTGACCACTGGCTCAGGGCCCTTCATTTTCAGCTCATGGAGATTGAACT[G>A]GTTTTTCATTCCATTCCTTGCTGCCTTTTGGCTGTATCTGTAAAGGTGAAGGTAAAGAAA-3'

ClinVar aggregate classification (germline): Pathogenic (1 of 4 stars; one submission).

Conditions:
Wilms tumor 1 (WT1). Also called: Wilms tumor, somatic. Identifiers: Orphanet 654, MedGen CN033288, MONDO:0008679, OMIM 194070.

Submission:

Labcorp Genetics (formerly Invitae), Labcorp
Classification: Pathogenic for Wilms tumor 1. Last evaluated: 2024-07-01. Review status: criteria provided, single submitter. Criteria: Invitae Variant Classification Sherloc (09022015). Collection method: clinical testing. Allele origin: germline.
Comment: This sequence change creates a premature translational stop signal (p.Gln444*) in the GPC3 gene. It is expected to result in an absent or disrupted protein product. Loss-of-function variants in GPC3 are known to be pathogenic (PMID: 10402475, 12713262, 17603795). This variant is not present in population databases (gnomAD no frequency). This premature translational stop signal has been observed in individual(s) with Simpson-Golabi-Behmel syndrome (PMID: 27790374). For these reasons, this variant has been classified as Pathogenic.

Literature cited by the submitters: PubMed 10402475; PubMed 12713262; PubMed 17603795; PubMed 27790374.